The following is an entry in ClinVar:

ClinVar aggregate classification (germline): Conflicting classifications of pathogenicity. Review status: criteria provided, conflicting classifications (1 of 4 stars). 2 submissions from 2 submitters: Uncertain significance (1); Likely benign (1). Last evaluated 2026-04-07.

Conditions:
RPGR-related disorder. Also called: RPGR-related condition.
Primary ciliary dyskinesia. Also called: Ciliary dyskinesia. Identifiers: Orphanet 244, MedGen C0008780, MONDO:0016575, HP:0012265.

Allele frequency attached by ClinVar (database versions not stated): TOPMed below 0.00001; gnomAD exomes 0.00001; gnomAD 0.00002.
gnomAD v4.1: 7 of 1,207,351 alleles (0.00058%); highest among the groups gnomAD compares: East Asian, 0.003%; no homozygotes.

Submissions (2):

PreventionGenetics, part of Exact Sciences
Classification: Likely benign for RPGR-related condition. Last evaluated: 2026-04-07. Review status: criteria provided, single submitter. Criteria: ACMG Guidelines, 2015. Collection method: clinical testing. Allele origin: germline.
Comment: This variant is classified as likely benign based on ACMG/AMP sequence variant interpretation guidelines (Richards et al. 2015 PMID: 25741868, with internal and published modifications).

Labcorp Genetics (formerly Invitae), Labcorp
Classification: Uncertain significance for Primary ciliary dyskinesia. Last evaluated: 2024-11-21. Review status: criteria provided, single submitter. Criteria: Invitae Variant Classification Sherloc (09022015). Collection method: clinical testing. Allele origin: germline.
Comment: This sequence change falls in intron 6 of the RPGR gene. It does not directly change the encoded amino acid sequence of the RPGR protein. This variant is present in population databases (no rsID available, gnomAD 0.2%). This variant has not been reported in the literature in individuals affected with RPGR-related conditions. ClinVar contains an entry for this variant (Variation ID: 2178048). Algorithms developed to predict the effect of sequence changes on RNA splicing suggest that this variant may disrupt the consensus splice site. In summary, the available evidence is currently insufficient to determine the role of this variant in disease. Therefore, it has been classified as a Variant of Uncertain Significance.

NM_001034853.2(RPGR):c.620-4A>G

Gene: RPGR (retinitis pigmentosa GTPase regulator; minus strand). Cytogenetic location: Xp11.4.
Variant type: single nucleotide variant.
Coding change: c.620-4A>G on transcript NM_001034853.2 (MANE Select); 4 bases into the intron before coding-DNA position 620, A replaced by G.
Molecular consequence: intron variant.
Genome position (GRCh38, 1-based): chrX:38,310,777, T>C on the plus strand (A>G on the coding strand, the complement: RPGR is on the minus strand). VCF-style: chrX-38310777-T-C. GRCh37 (hg19) VCF-style: chrX-38170030-T-C.
Other names: c.617-4A>G (NM_001367249.1); c.620-7A>G (NM_001367250.1, NM_001367245.1); c.620-4A>G (NM_001367251.1, NM_001367246.1, NM_001367247.1 and 2 more transcripts); c.650-4A>G (NM_001367248.1).
Identifiers: ClinVar variation 2178048 (VCV002178048.5), dbSNP rs1465627964, ClinGen allele CA640872417.